The following is an entry in ClinVar:

ClinVar aggregate classification (germline): Pathogenic (1 of 4 stars; one submission).

Submission:

GeneDx
Classification: Pathogenic. Last evaluated: 2023-01-12. Review status: criteria provided, single submitter. Criteria: GeneDx Variant Classification Process June 2021. Collection method: clinical testing. Allele origin: germline. Affected: yes.
Comment: Occurs in the triple helical domain and replaces a glycine in a canonical Gly-X-Y repeat; missense substitution of a canonical glycine residue is expected to disrupt normal protein folding and function, and this is an established mechanism of disease (Jovanovic et al., 2021); Not observed at significant frequency in large population cohorts (gnomAD); In silico analysis supports that this missense variant has a deleterious effect on protein structure/function; This variant is associated with the following publications: (PMID: 34007986, 31447884)

NM_000088.4(COL1A1):c.734G>A (p.Gly245Glu)

Genes: COL1A1 (collagen type I alpha 1 chain; minus strand), LOC126862586 (CDK7 strongly-dependent group 2 enhancer GRCh37_chr17:48273702-48274901; plus strand). Cytogenetic location: 17q21.33.
Variant type: single nucleotide variant.
Coding change: c.734G>A on transcript NM_000088.4 (MANE Select); coding-DNA position 734, G replaced by A.
Protein change: p.Gly245Glu; replaces glycine 245 with glutamic acid.
Molecular consequence: missense variant.
Genome position (GRCh38, 1-based): chr17:50,197,196, C>T on the plus strand (G>A on the coding strand, the complement: COL1A1 is on the minus strand). VCF-style: chr17-50197196-C-T. GRCh37 (hg19) VCF-style: chr17-48274557-C-T.
Other names: short protein forms G245E.
Identifiers: ClinVar variation 2572792 (VCV002572792.1), dbSNP rs2509241941, ClinGen allele CA400224172.